The following is an entry in ClinVar:

NM_000282.4(PCCA):c.1342A>G (p.Met448Val)

Gene: PCCA (propionyl-CoA carboxylase subunit alpha; plus strand). Cytogenetic location: 13q32.3.
Variant type: single nucleotide variant.
Coding change: c.1342A>G on transcript NM_000282.4 (MANE Select); coding-DNA position 1342, A replaced by G.
Protein change: p.Met448Val; replaces methionine 448 with valine.
Molecular consequence: missense variant. On other transcripts: non-coding transcript variant (5).
Genome position (GRCh38, 1-based): chr13:100,307,249, A>G. VCF-style: chr13-100307249-A-G. GRCh37 (hg19) VCF-style: chr13-100959503-A-G.
Other names: c.1264A>G, p.Met422Val (NM_001127692.3, NM_001352607.2); c.1342A>G, p.Met448Val (NM_001178004.2, NM_001352605.2, NM_001352609.2); c.1198A>G, p.Met400Val (NM_001352606.2); c.1120A>G, p.Met374Val (NM_001352608.2); c.397A>G, p.Met133Val (NM_001352610.2, NM_001352611.2); c.253A>G, p.Met85Val (NM_001352612.2); short protein forms M448V, M374V, M133V, M422V, M85V, M400V.
Identifiers: ClinVar variation 459934 (VCV000459934.9), dbSNP rs767060690, ClinGen allele CA7033609.
Genomic context (GRCh38, chr13:100,307,249, plus strand): 5'-CAGGTCCGAGTGGACAGTGGCATCCAACCAGGAAGTGATATTAGCATTTATTATGATCCT[A>G]TGATTTCAAAAGTTAGTTTAATTTCTCAATGGATTATTTGATTTCTTCGAAAAATCAATG-3'
Protein context (NP_000273.2, residues 438-458): GSDISIYYDP[Met448Val]ISKLITYGSD

ClinVar aggregate classification (germline): Uncertain significance. Review status: criteria provided, multiple submitters, no conflicts (2 of 4 stars). 4 submissions from 4 submitters: Uncertain significance (3). 1 of the submissions does not count toward it. Last evaluated 2023-12-20.

Conditions:
Inborn genetic diseases. Identifiers: MedGen C0950123, MeSH D030342.
Propionic acidemia (PROP). Also called: GLYCINEMIA, KETOTIC; HYPERGLYCINEMIA WITH KETOACIDOSIS AND LEUKOPENIA; KETOTIC HYPERGLYCINEMIA. Identifiers: Orphanet 35, MedGen C0268579, MONDO:0011628, OMIM 606054, HP:0003571.

Allele frequency attached by ClinVar (database versions not stated): ExAC 0.00001; TOPMed 0.00002; gnomAD 0.00003; gnomAD exomes 0.00003.
gnomAD v4.1: 41 of 1,599,400 alleles (0.0026%); highest among the groups gnomAD compares: Middle Eastern, 0.083%; no homozygotes.

Submissions (4):

GeneDx
Classification: Uncertain significance. Last evaluated: 2023-12-20. Review status: criteria provided, single submitter. Criteria: GeneDx Variant Classification Process June 2021. Collection method: clinical testing. Allele origin: germline. Affected: yes.
Comment: Not observed at significant frequency in large population cohorts (gnomAD); In silico analysis supports that this missense variant has a deleterious effect on protein structure/function; Has not been previously published as pathogenic or benign to our knowledge

Ambry Genetics
Classification: Uncertain significance for Inborn genetic diseases. Last evaluated: 2023-05-17. Review status: criteria provided, single submitter. Criteria: Ambry Variant Classification Scheme 2023. Collection method: clinical testing. Allele origin: germline.

Labcorp Genetics (formerly Invitae), Labcorp
Classification: Uncertain significance for Propionic acidemia. Last evaluated: 2022-10-17. Review status: criteria provided, single submitter. Criteria: Invitae Variant Classification Sherloc (09022015). Collection method: clinical testing. Allele origin: germline.
Comment: This sequence change replaces methionine, which is neutral and non-polar, with valine, which is neutral and non-polar, at codon 448 of the PCCA protein (p.Met448Val). This variant is present in population databases (rs767060690, gnomAD 0.01%). This variant has not been reported in the literature in individuals affected with PCCA-related conditions. ClinVar contains an entry for this variant (Variation ID: 459934). Advanced modeling of protein sequence and biophysical properties (such as structural, functional, and spatial information, amino acid conservation, physicochemical variation, residue mobility, and thermodynamic stability) has been performed at Invitae for this missense variant, however the output from this modeling did not meet the statistical confidence thresholds required to predict the impact of this variant on PCCA protein function. In summary, the available evidence is currently insufficient to determine the role of this variant in disease. Therefore, it has been classified as a Variant of Uncertain Significance.

Natera, Inc.
Classification: Uncertain significance for Propionic acidemia. Last evaluated: 2019-10-28. Review status: no assertion criteria provided. Collection method: clinical testing. Allele origin: germline. Not counted in ClinVar's aggregate classification.